The following is an entry in ClinVar:

NM_052845.4(MMAB):c.571del (p.Arg191fs)

Gene: MMAB (metabolism of cobalamin associated B; minus strand). Cytogenetic location: 12q24.11.
Variant type: Deletion.
Coding change: c.571del on transcript NM_052845.4 (MANE Select); coding-DNA position 571, one base deleted (C; older notation c.571delC).
Protein change: p.Arg191fs; shifts the reading frame from arginine 191.
Molecular consequence: frameshift variant. On other transcripts: non-coding transcript variant (1).
Genome position (GRCh38, 1-based): chr12:109,561,053, G deleted on the plus strand (C on the coding strand, the reverse complement: MMAB is on the minus strand); the first of 2 consecutive G bases (chr12:109,561,053-109,561,054); deleting either gives the same sequence. VCF-style (leftmost placement, unchanged base first): chr12-109561052-CG-C. GRCh37 (hg19) VCF-style: chr12-109998857-CG-C.
Other names: short protein forms R191fs.
Identifiers: ClinVar variation 4816443 (VCV004816443.1).
Genomic context (GRCh38, chr12:109,561,052, plus strand): 5'-TTCCTCTCCCTCTCCCTTGGGCCCTCTCCCTCTCTCCAGCCCTCTTACCGTCTCTCGGCC[CG>C]GCGGCACACGGCCCGGCAGAAATGCAGCGCCGAGCTGATCTTGCCTCCCGACTGAAAGGA-3'

ClinVar aggregate classification (germline): Likely pathogenic (1 of 4 stars; one submission).

Conditions:
Methylmalonic aciduria, cblB type (MACB). Also called: METHYLMALONIC ACIDURIA, VITAMIN B12-RESPONSIVE, DUE TO DEFECT IN SYNTHESIS OF ADENOSYLCOBALAMIN, cblB TYPE; Methylmalonic acidemia cblB type; Vitamin B12-responsive methylmalonic acidemia type cblB. Identifiers: Orphanet 28, Orphanet 79311, MedGen C1855102, MONDO:0009614, OMIM 251110.

Submission:

Natera, Inc.
Classification: Likely pathogenic for Methylmalonic aciduria cblB type. Last evaluated: 2025-06-09. Review status: criteria provided, single submitter. Criteria: Natera Variant Classification Schema (03/2026). Collection method: clinical testing. Allele origin: germline.
Comment: The c.571del variant in MMAB is a frameshift variant predicted to shift the reading frame beginning at codon 191 and leads to a stop codon 23 codons downstream. This variant is expected to result in nonsense mediated decay, truncation, or a dysfunctional protein product. This variant is rare in the general population with a frequency below the threshold expected for the associated phenotype(s). Given the available evidence, this variant is classified as Likely Pathogenic.